The following is an entry in ClinVar:

NM_000038.6(APC):c.3356A>G (p.His1119Arg)

Gene: APC (APC regulator of Wnt signaling pathway; plus strand). Cytogenetic location: 5q22.2.
Variant type: single nucleotide variant.
Coding change: c.3356A>G on transcript NM_000038.6 (MANE Select); coding-DNA position 3356, A replaced by G.
Protein change: p.His1119Arg; replaces histidine 1119 with arginine.
Molecular consequence: missense variant. On other transcripts: non-coding transcript variant (2).
Genome position (GRCh38, 1-based): chr5:112,838,950, A>G. VCF-style: chr5-112838950-A-G. GRCh37 (hg19) VCF-style: chr5-112174647-A-G.
Other names: c.3356A>G, p.His1119Arg (NM_001127510.3, NM_001354895.2, NM_001407450.1); c.3302A>G, p.His1101Arg (NM_001127511.3); c.3410A>G, p.His1137Arg (NM_001354896.2, NM_001407447.1, NM_001407448.1 and 1 more transcripts); c.3386A>G, p.His1129Arg (NM_001354897.2); c.3281A>G, p.His1094Arg (NM_001354898.2); c.3272A>G, p.His1091Arg (NM_001354899.2); c.3233A>G, p.His1078Arg (NM_001354900.2); c.3179A>G, p.His1060Arg (NM_001354901.2, NM_001407453.1); and 11 more; short protein forms H1078R, H1091R, H1101R, H1109R, H1112R, H1129R, H959R, H1060R.
Identifiers: ClinVar variation 2765170 (VCV002765170.3), dbSNP rs1554084962, ClinGen allele CA16028685.

ClinVar aggregate classification (germline): Uncertain significance (1 of 4 stars; one submission).

Conditions:
Familial adenomatous polyposis 1 (FAP1). Also called: POLYPOSIS, ADENOMATOUS INTESTINAL; FAMILIAL ADENOMATOUS POLYPOSIS 1, ATTENUATED. Identifiers: MedGen C2713442, MONDO:0021056, OMIM 175100. Disease mechanism: loss of function.

Submission:

Labcorp Genetics (formerly Invitae), Labcorp
Classification: Uncertain significance for Familial adenomatous polyposis 1. Last evaluated: 2026-01-19. Review status: criteria provided, single submitter. Criteria: Invitae Variant Classification Sherloc (09022015). Collection method: clinical testing. Allele origin: germline.
Comment: This sequence change replaces histidine, which is basic and polar, with arginine, which is basic and polar, at codon 1119 of the APC protein (p.His1119Arg). This variant is not present in population databases (gnomAD no frequency). This variant has not been reported in the literature in individuals affected with APC-related conditions. ClinVar contains an entry for this variant (Variation ID: 2765170). Invitae Evidence Modeling of protein sequence and biophysical properties (such as structural, functional, and spatial information, amino acid conservation, physicochemical variation, residue mobility, and thermodynamic stability) indicates that this missense variant is not expected to disrupt APC protein function with a negative predictive value of 95%. In summary, the available evidence is currently insufficient to determine the role of this variant in disease. Therefore, it has been classified as a Variant of Uncertain Significance.